The following is an entry in ClinVar:

ClinVar aggregate classification (germline): Benign/Likely benign. Review status: criteria provided, multiple submitters, no conflicts (2 of 4 stars). 7 submissions from 7 submitters: Benign (5); Likely benign (2). Last evaluated 2026-02-03.

Conditions:
Inborn genetic diseases. Identifiers: MedGen C0950123, MeSH D030342.
Menke-Hennekam syndrome 1 (MKHK1). Identifiers: MedGen C5193034, MONDO:0020763, OMIM 618332.
Rubinstein-Taybi syndrome due to CREBBP mutations (RSTS1). Also called: BROAD THUMBS AND GREAT TOES, CHARACTERISTIC FACIES, AND IMPAIRED INTELLECTUAL DEVELOPMENT; CREBBP-Related Rubinstein-Taybi Syndrome; Rubinstein-Taybi syndrome 1; RUBINSTEIN-TAYBI SYNDROME 1, INCOMPLETE; BROAD THUMB-HALLUX SYNDROME; RUBINSTEIN SYNDROME. Identifiers: Orphanet 353277, Orphanet 783, MedGen C4551859, MONDO:0008393, OMIM 180849.
Rubinstein-Taybi syndrome (RSTS). Identifiers: Orphanet 783, MedGen C0035934, MONDO:0019188.

Submissions (7):

Labcorp Genetics (formerly Invitae), Labcorp
Classification: Benign for Rubinstein-Taybi syndrome. Last evaluated: 2026-02-03. Review status: criteria provided, single submitter. Criteria: Invitae Variant Classification Sherloc (09022015). Collection method: clinical testing. Allele origin: germline.

Blueprint Genetics
Classification: Likely benign. Last evaluated: 2024-11-27. Review status: criteria provided, single submitter. Criteria: ACMG Guidelines, 2015. Collection method: clinical testing. Allele origin: germline.

Mayo Clinic Laboratories, Mayo Clinic
Classification: Benign. Last evaluated: 2023-01-17. Review status: criteria provided, single submitter. Criteria: ACMG Guidelines, 2015. Collection method: clinical testing. Allele origin: germline. Observed: 18 variant alleles.
Comment: BA1, BS2, BP4, BP7

Fulgent Genetics
Classification: Likely benign for Rubinstein-Taybi syndrome due to CREBBP mutations; Menke-Hennekam syndrome 1. Last evaluated: 2022-01-12. Review status: criteria provided, single submitter. Criteria: ACMG Guidelines, 2015. Collection method: clinical testing. Allele origin: unknown.

GeneDx
Classification: Benign. Last evaluated: 2018-07-05. Review status: criteria provided, single submitter. Criteria: GeneDx Variant Classification Process June 2021. Collection method: clinical testing. Allele origin: germline. Affected: yes.

Ambry Genetics
Classification: Benign for Inborn genetic diseases. Last evaluated: 2016-04-18. Review status: criteria provided, single submitter. Criteria: Ambry Variant Classification Scheme 2023. Collection method: clinical testing. Allele origin: germline.

Genomic Diagnostic Laboratory, Division of Genomic Diagnostics, Children's Hospital of Philadelphia
Classification: Benign. Last evaluated: 2014-12-31. Review status: criteria provided, single submitter. Criteria: DGD Variant Analysis Guidelines. Collection method: clinical testing. Allele origin: unknown.

NM_004380.3(CREBBP):c.3370-4del

Gene: CREBBP (CREB binding lysine acetyltransferase; minus strand). Cytogenetic location: 16p13.3.
Variant type: Deletion.
Coding change: c.3370-4del on transcript NM_004380.3 (MANE Select); 4 bases into the intron before coding-DNA position 3370, one base deleted (T; older notation c.3370-4delT).
Molecular consequence: intron variant.
Genome position (GRCh38, 1-based): chr16:3,758,052, A deleted on the plus strand (T on the coding strand, the reverse complement: CREBBP is on the minus strand); the first of 13 consecutive A bases (chr16:3,758,052-3,758,064); deleting any one gives the same sequence. VCF-style (leftmost placement, unchanged base first): chr16-3758051-TA-T. GRCh37 (hg19) VCF-style: chr16-3808052-TA-T.
Other names: p.?; c.3256-4del (NM_001079846.1); c.3370-4delT (NM_004380.2).
Identifiers: ClinVar variation 218631 (VCV000218631.18), dbSNP rs75459669, ClinGen allele CA249010.